The following is an entry in ClinVar:

NM_004991.4(MECOM):c.1814T>A (p.Ile605Asn)

Gene: MECOM (MDS1 and EVI1 complex locus; minus strand). Cytogenetic location: 3q26.2.
Variant type: single nucleotide variant.
Coding change: c.1814T>A on transcript NM_004991.4 (MANE Select); coding-DNA position 1814, T replaced by A.
Protein change: p.Ile605Asn; replaces isoleucine 605 with asparagine.
Molecular consequence: missense variant. On other transcripts: intron variant (2).
Genome position (GRCh38, 1-based): chr3:169,116,058, A>T on the plus strand (T>A on the coding strand, the complement: MECOM is on the minus strand). VCF-style: chr3-169116058-A-T. GRCh37 (hg19) VCF-style: chr3-168833846-A-T.
Other names: c.1814T>A, p.Ile605Asn (NM_001366466.2); c.1253T>A, p.Ile418Asn (NM_001366467.2, NM_001366468.2, NM_001366470.2 and 1 more transcripts); c.1250T>A, p.Ile417Asn (NM_001366469.2, NM_001366471.2, NM_001366472.2 and 4 more transcripts); c.1133-291T>A (NM_001366473.2); c.569-291T>A (NM_001366474.2); c.1445T>A, p.Ile482Asn (NM_001105077.4); short protein forms I482N, I417N, I418N, I605N.
Identifiers: ClinVar variation 4624749 (VCV004624749.1).

ClinVar aggregate classification (germline): Uncertain significance (1 of 4 stars; one submission).

Conditions:
Inborn genetic diseases. Identifiers: MedGen C0950123, MeSH D030342.

Submission:

Ambry Genetics
Classification: Uncertain significance for Inborn genetic diseases. Last evaluated: 2025-12-12. Review status: criteria provided, single submitter. Criteria: Ambry Variant Classification Scheme 2023. Collection method: clinical testing. Allele origin: germline.
Comment: The p.I605N variant (also known as c.1814T>A), located in coding exon 8 of the MECOM gene, results from a T to A substitution at nucleotide position 1814. The isoleucine at codon 605 is replaced by asparagine, an amino acid with dissimilar properties. This amino acid position is conserved. In addition, this alteration is predicted to be tolerated by in silico analysis. Based on the available evidence, the clinical significance of this variant remains unclear.